The following is an entry in ClinVar:

ClinVar aggregate classification (germline): Uncertain significance (1 of 4 stars; one submission).

gnomAD v4.1: 1 of 1,560,160 alleles (0.000064%); highest among the groups gnomAD compares: Non-Finnish European, 0.000087%; no homozygotes.

Submission:

GeneDx
Classification: Uncertain significance. Last evaluated: 2026-02-05. Review status: criteria provided, single submitter. Criteria: GeneDx Variant Classification Process June 2021. Collection method: clinical testing. Allele origin: germline.
Comment: Not observed at significant frequency in large population cohorts (gnomAD); In silico analysis supports that this missense variant has a deleterious effect on protein structure/function; Has not been previously published as pathogenic or benign to our knowledge

NM_000260.4(MYO7A):c.1828C>T (p.Leu610Phe)

Gene: MYO7A (myosin VIIA; plus strand). Cytogenetic location: 11q13.5.
Variant type: single nucleotide variant.
Coding change: c.1828C>T on transcript NM_000260.4 (MANE Select); coding-DNA position 1828, C replaced by T.
Protein change: p.Leu610Phe; replaces leucine 610 with phenylalanine.
Molecular consequence: missense variant.
Genome position (GRCh38, 1-based): chr11:77,172,778, C>T. VCF-style: chr11-77172778-C-T. GRCh37 (hg19) VCF-style: chr11-76883824-C-T.
Other names: c.1828C>T, p.Leu610Phe (NM_001127180.2); c.1795C>T, p.Leu599Phe (NM_001369365.1); short protein forms L599F, L610F.
Identifiers: ClinVar variation 4976049 (VCV004976049.1).
Genomic context (GRCh38, chr11:77,172,778, plus strand): 5'-CCCTCCCATCGCTGCCGTCCGTCCCCCCAGGGCGCCGAGACCAGGAAGCGCTCGCCCACA[C>T]TTAGCAGCCAGTTCAAGCGGTCACTGGAGCTGCTGATGCGCACGCTGGGTGCCTGCCAGC-3'
Protein context (NP_000251.3, residues 600-620): GAETRKRSPT[Leu610Phe]SSQFKRSLEL